The following is an entry in ClinVar:

NM_006767.4(LZTR1):c.652-1G>A

Gene: LZTR1 (leucine zipper like post translational regulator 1; plus strand). Cytogenetic location: 22q11.21.
Variant type: single nucleotide variant.
Coding change: c.652-1G>A on transcript NM_006767.4 (MANE Select); the canonical splice acceptor site of the intron before coding-DNA position 652, G replaced by A.
Molecular consequence: splice acceptor variant.
Genome position (GRCh38, 1-based): chr22:20,990,385, G>A. VCF-style: chr22-20990385-G-A. GRCh37 (hg19) VCF-style: chr22-21344674-G-A.
Identifiers: ClinVar variation 1754032 (VCV001754032.3), dbSNP rs1280449769, ClinGen allele CA410780404.

ClinVar aggregate classification (germline): Likely pathogenic (1 of 4 stars; one submission).

Conditions:
Cardiovascular phenotype. Identifiers: MedGen CN230736.
Hereditary cancer-predisposing syndrome. Also called: Neoplastic Syndromes, Hereditary; Tumor predisposition; Hereditary Cancer Syndrome; Hereditary neoplastic syndrome. Identifiers: Orphanet 140162, MedGen C0027672, MeSH D009386, MONDO:0015356.

Submission:

Ambry Genetics
Classification: Likely pathogenic for Cardiovascular phenotype; Hereditary cancer-predisposing syndrome. Last evaluated: 2024-08-19. Review status: criteria provided, single submitter. Criteria: Ambry Variant Classification Scheme 2023. Collection method: clinical testing. Allele origin: germline.
Comment: The c.652-1G>A intronic variant results from a G to A substitution one nucleotide before coding exon 8 of the LZTR1 gene. This variant is considered to be rare based on population cohorts in the Genome Aggregation Database (gnomAD). This nucleotide position is highly conserved in available vertebrate species. In silico splice site analysis predicts that this alteration will weaken the native splice acceptor site and may result in the creation or strengthening of a novel splice acceptor site. Alterations that disrupt the canonical splice site are expected to cause aberrant splicing, resulting in an abnormal protein or a transcript that is subject to nonsense-mediated mRNA decay. Loss-of-function variants in LZTR1 are related to an increased risk for schwannomas and autosomal recessive Noonan syndrome; however, such associations with autosomal dominant Noonan syndrome have not been observed (Piotrowski A et al. Nat Genet. 2014 Feb;46:182-7; Yamamoto GL et al. J Med Genet. 2015 Jun;52:413-21; Johnston JJ et al. Genet Med. 2018 10;20:1175-1185). Based on the supporting evidence, this variant is likely pathogenic for an increased risk of LZTR1-related schwannomatosis (SWN) and would be expected to cause autosomal recessive Noonan syndrome when present along with a second pathogenic or likely pathogenic variant on the other allele; however, the association of this alteration with autosomal dominant Noonan syndrome is unlikely.